The following is an entry in ClinVar:

ClinVar aggregate classification (germline): Uncertain significance. Review status: criteria provided, multiple submitters, no conflicts (2 of 4 stars). 4 submissions from 4 submitters: Uncertain significance (3). 1 of the submissions does not count toward it. Last evaluated 2025-06-01.

Conditions:
Fanconi anemia (FA). Also called: Fanconi's anemia. Identifiers: Orphanet 84, MedGen C0015625, MeSH D005199, MONDO:0019391.
FANCA-related disorder. Also called: FANCA-related condition.
Fanconi anemia complementation group A (FANCA). Also called: FANCA-Related Fanconi Anemia; Fanconi anemia, group A. Identifiers: Orphanet 84, MedGen C3469521, MONDO:0009215, OMIM 227650.

Allele frequency attached by ClinVar (database versions not stated): ExAC 0.00002; gnomAD 0.00002 and 0.00003; gnomAD exomes 0.00002; TOPMed 0.00002.
gnomAD v4.1: 20 of 1,614,002 alleles (0.0012%); highest among the groups gnomAD compares: South Asian, 0.013%; no homozygotes.

Submissions (4):

PreventionGenetics, part of Exact Sciences
Classification: Uncertain significance for FANCA-related condition. Last evaluated: 2025-06-01. Review status: criteria provided, single submitter. Criteria: ACMG Guidelines, 2015. Collection method: clinical testing. Allele origin: germline.
Comment: The FANCA c.1219C>G variant is predicted to result in the amino acid substitution p.Leu407Val. To our knowledge, this variant has not been reported in the literature. This variant is reported in 0.016% of alleles in individuals of South Asian descent in gnomAD. At this time, the clinical significance of this variant is uncertain due to the absence of conclusive functional and genetic evidence.

Labcorp Genetics (formerly Invitae), Labcorp
Classification: Uncertain significance for Fanconi anemia. Last evaluated: 2024-07-15. Review status: criteria provided, single submitter. Criteria: Invitae Variant Classification Sherloc (09022015). Collection method: clinical testing. Allele origin: germline.
Comment: This sequence change replaces leucine, which is neutral and non-polar, with valine, which is neutral and non-polar, at codon 407 of the FANCA protein (p.Leu407Val). This variant is present in population databases (rs748005916, gnomAD 0.02%). This variant has not been reported in the literature in individuals affected with FANCA-related conditions. ClinVar contains an entry for this variant (Variation ID: 1060277). Advanced modeling of protein sequence and biophysical properties (such as structural, functional, and spatial information, amino acid conservation, physicochemical variation, residue mobility, and thermodynamic stability) performed at Invitae indicates that this missense variant is not expected to disrupt FANCA protein function with a negative predictive value of 80%. In summary, the available evidence is currently insufficient to determine the role of this variant in disease. Therefore, it has been classified as a Variant of Uncertain Significance.

Fulgent Genetics
Classification: Uncertain significance for Fanconi anemia complementation group A. Last evaluated: 2021-09-27. Review status: criteria provided, single submitter. Criteria: ACMG Guidelines, 2015. Collection method: clinical testing. Allele origin: unknown.

Natera, Inc.
Classification: Uncertain significance for Fanconi anemia. Last evaluated: 2020-11-03. Review status: no assertion criteria provided. Collection method: clinical testing. Allele origin: germline. Not counted in ClinVar's aggregate classification.

NM_000135.4(FANCA):c.1219C>G (p.Leu407Val)

Gene: FANCA (FA complementation group A; minus strand). Cytogenetic location: 16q24.3.
Variant type: single nucleotide variant.
Coding change: c.1219C>G on transcript NM_000135.4 (MANE Select); coding-DNA position 1219, C replaced by G.
Protein change: p.Leu407Val; replaces leucine 407 with valine.
Molecular consequence: missense variant.
Genome position (GRCh38, 1-based): chr16:89,791,933, G>C on the plus strand (C>G on the coding strand, the complement: FANCA is on the minus strand). VCF-style: chr16-89791933-G-C. GRCh37 (hg19) VCF-style: chr16-89858341-G-C.
Other names: c.1219C>G (NM_000135.2); c.1219C>G, p.Leu407Val (NM_001286167.3); short protein forms L407V.
Identifiers: ClinVar variation 1060277 (VCV001060277.8), dbSNP rs748005916, ClinGen allele CA8252479.